The following is an entry in ClinVar:

ClinVar aggregate classification (germline): Likely pathogenic (1 of 4 stars; one submission).

Conditions:
Hereditary cancer-predisposing syndrome. Also called: Neoplastic Syndromes, Hereditary; Tumor predisposition; Hereditary Cancer Syndrome; Hereditary neoplastic syndrome. Identifiers: Orphanet 140162, MedGen C0027672, MeSH D009386, MONDO:0015356.

Submission:

Ambry Genetics
Classification: Likely pathogenic for Hereditary cancer-predisposing syndrome. Last evaluated: 2020-12-16. Review status: criteria provided, single submitter. Criteria: Ambry Variant Classification Scheme 2023. Collection method: clinical testing. Allele origin: germline.
Comment: The c.659+1G>T intronic variant results from a G to T substitution one nucleotide after coding exon 8 of the BAP1 gene. This nucleotide position is highly conserved in available vertebrate species. This variant was not reported in population-based cohorts in the Genome Aggregation Database (gnomAD). In silico splice site analysis predicts that this alteration will weaken the native splice donor site and will result in the creation or strengthening of a novel splice donor site. Alterations that disrupt the canonical splice site are expected to cause aberrant splicing, resulting in an abnormal protein or a transcript that is subject to nonsense-mediated mRNA decay. As such, this alteration is classified as likely pathogenic.

Literature cited by the submitters: PubMed 30975761.

NM_004656.4(BAP1):c.659+1G>T

Gene: BAP1 (BRCA1 associated deubiquitinase 1; minus strand). Cytogenetic location: 3p21.1.
Variant type: single nucleotide variant.
Coding change: c.659+1G>T on transcript NM_004656.4 (MANE Select); the canonical splice donor site of the intron after coding-DNA position 659, G replaced by T.
Molecular consequence: splice donor variant.
Genome position (GRCh38, 1-based): chr3:52,406,828, C>A on the plus strand (G>T on the coding strand, the complement: BAP1 is on the minus strand). VCF-style: chr3-52406828-C-A. GRCh37 (hg19) VCF-style: chr3-52440844-C-A.
Other names: c.659+1G>T (NM_001410772.1).
Identifiers: ClinVar variation 1754358 (VCV001754358.2), dbSNP rs2153227622, ClinGen allele CA353108686.